The following is an entry in ClinVar:

NM_001122630.2(CDKN1C):c.567A>C (p.Pro189=)

Gene: CDKN1C (cyclin dependent kinase inhibitor 1C; minus strand). Cytogenetic location: 11p15.4.
Variant type: single nucleotide variant.
Coding change: c.567A>C on transcript NM_001122630.2 (MANE Select); coding-DNA position 567, A replaced by C.
Protein change: p.Pro189=; no amino-acid change (proline 189 retained).
Molecular consequence: synonymous variant. On other transcripts: intron variant (1).
Genome position (GRCh38, 1-based): chr11:2,884,890, T>G on the plus strand (A>C on the coding strand, the complement: CDKN1C is on the minus strand). VCF-style: chr11-2884890-T-G. GRCh37 (hg19) VCF-style: chr11-2906120-T-G.
Other names: c.600A>C, p.Pro200= (NM_000076.2, NM_001362474.2); c.567A>C, p.Pro189= (NM_001122631.2); c.255+312A>C (NM_001362475.2).
Identifiers: ClinVar variation 1649023 (VCV001649023.30), dbSNP rs529326848, ClinGen allele CA472832400.

ClinVar aggregate classification (germline): Likely benign. Review status: criteria provided, multiple submitters, no conflicts (2 of 4 stars). 2 submissions from 2 submitters: Likely benign (2). Last evaluated 2025-08-01.

Conditions:
Beckwith-Wiedemann syndrome (BWS). Also called: EMG SYNDROME; Exomphalos macroglossia gigantism syndrome. Identifiers: Orphanet 116, MedGen C0004903, MONDO:0007534, OMIM 130650.

Submissions (2):

CeGaT Center for Human Genetics Tuebingen
Classification: Likely benign. Last evaluated: 2025-08-01. Review status: criteria provided, single submitter. Criteria: CeGaT Center For Human Genetics Tuebingen Variant Classification Criteria Version 2. Collection method: clinical testing. Allele origin: germline. Affected: yes. Observed: 3 variant alleles.
Comment: CDKN1C: BP4, BP7

Labcorp Genetics (formerly Invitae), Labcorp
Classification: Likely benign for Beckwith-Wiedemann syndrome. Last evaluated: 2025-07-07. Review status: criteria provided, single submitter. Criteria: Invitae Variant Classification Sherloc (09022015). Collection method: clinical testing. Allele origin: germline.